The following is an entry in ClinVar:

NM_002206.3(ITGA7):c.3263G>A (p.Arg1088Gln)

Gene: ITGA7 (integrin subunit alpha 7; minus strand). Cytogenetic location: 12q13.2.
Variant type: single nucleotide variant.
Coding change: c.3263G>A on transcript NM_002206.3 (MANE Select); coding-DNA position 3263, G replaced by A.
Protein change: p.Arg1088Gln; replaces arginine 1088 with glutamine.
Molecular consequence: missense variant.
Genome position (GRCh38, 1-based): chr12:55,685,209, C>T on the plus strand (G>A on the coding strand, the complement: ITGA7 is on the minus strand). VCF-style: chr12-55685209-C-T. GRCh37 (hg19) VCF-style: chr12-56078993-C-T.
Other names: c.3275G>A, p.Arg1092Gln (NM_001144996.2); c.2984G>A, p.Arg995Gln (NM_001144997.2); c.2936G>A, p.Arg979Gln (NM_001367993.1); c.1919G>A, p.Arg640Gln (NM_001367994.1); c.3245G>A, p.Arg1082Gln (NM_001374465.1); c.3395G>A, p.Arg1132Gln (NM_001410977.1); c.3257G>A, p.Arg1086Gln (NM_001414029.1); c.3188G>A, p.Arg1063Gln (NM_001414030.1); and 6 more; short protein forms R1082Q, R1088Q, R1092Q, R640Q, R979Q, R995Q, R1132Q, R1013Q.
Identifiers: ClinVar variation 1120695 (VCV001120695.13), dbSNP rs754655315, ClinGen allele CA6615255.

ClinVar aggregate classification (germline): Conflicting classifications of pathogenicity. Review status: criteria provided, conflicting classifications (1 of 4 stars). 4 submissions from 4 submitters: Uncertain significance (2); Likely benign (2). Last evaluated 2025-06-10.

Conditions:
Congenital muscular dystrophy due to integrin alpha-7 deficiency. Also called: MYOPATHY, CONGENITAL, DUE TO INTEGRIN ALPHA-7 DEFICIENCY; Congenital muscular dystrophy with integrin alpha-7 deficiency; Muscular dystrophy, congenital, due to ITGA7 deficiency. Identifiers: Orphanet 34520, MedGen C2750786, MONDO:0013177, OMIM 613204.
ITGA7-related disorder. Also called: ITGA7-related condition.

Allele frequency attached by ClinVar (database versions not stated): gnomAD 0.00005 and 0.00010; TOPMed 0.00005; gnomAD exomes 0.00013 and 0.00030; ExAC 0.00034.
gnomAD v4.1: 201 of 1,614,068 alleles (0.012%); highest among the groups gnomAD compares: South Asian, 0.2%; 3 homozygotes.

Submissions (4):

Ambry Genetics
Classification: Uncertain significance. Last evaluated: 2025-06-10. Review status: criteria provided, single submitter. Criteria: Ambry Variant Classification Scheme 2023. Collection method: clinical testing. Allele origin: germline.

PreventionGenetics, part of Exact Sciences
Classification: Likely benign for ITGA7-related condition. Last evaluated: 2025-05-02. Review status: criteria provided, single submitter. Criteria: ACMG Guidelines, 2015. Collection method: clinical testing. Allele origin: germline.
Comment: This variant is classified as likely benign based on ACMG/AMP sequence variant interpretation guidelines (Richards et al. 2015 PMID: 25741868, with internal and published modifications).

Labcorp Genetics (formerly Invitae), Labcorp
Classification: Likely benign for Congenital muscular dystrophy due to integrin alpha-7 deficiency. Last evaluated: 2024-05-23. Review status: criteria provided, single submitter. Criteria: Invitae Variant Classification Sherloc (09022015). Collection method: clinical testing. Allele origin: germline.

Revvity Omics, Revvity
Classification: Uncertain significance for Congenital muscular dystrophy due to integrin alpha-7 deficiency. Last evaluated: 2019-12-09. Review status: criteria provided, single submitter. Criteria: ACMG Guidelines, 2015. Collection method: clinical testing. Allele origin: germline.